The following is an entry in ClinVar:

NM_006531.5(IFT88):c.2075G>A (p.Arg692His)

Gene: IFT88 (intraflagellar transport 88; plus strand). Cytogenetic location: 13q12.11.
Variant type: single nucleotide variant.
Coding change: c.2075G>A on transcript NM_006531.5 (MANE Select); coding-DNA position 2075, G replaced by A.
Protein change: p.Arg692His; replaces arginine 692 with histidine.
Molecular consequence: missense variant. On other transcripts: synonymous variant (1), non-coding transcript variant (5).
Genome position (GRCh38, 1-based): chr13:20,663,504, G>A. VCF-style: chr13-20663504-G-A. GRCh37 (hg19) VCF-style: chr13-21237643-G-A.
Other names: c.2018G>A, p.Arg673His (NM_001318491.2); c.2102G>A, p.Arg701His (NM_001318493.2, NM_001353565.2, NM_001353566.2 and 2 more transcripts); c.2075G>A, p.Arg692His (NM_001353568.2, NM_001353572.2); c.2000G>A, p.Arg667His (NM_001353569.2, NM_001353570.2, NM_001353576.2 and 1 more transcripts); c.1973G>A, p.Arg658His (NM_001353571.2, NM_001353578.2); c.1931G>A, p.Arg644His (NM_001353573.2); c.1916G>A, p.Arg639His (NM_001353574.2); c.2142G>A, p.Ala714= (NM_001353575.2); and 2 more; short protein forms R481H, R644H, R658H, R667H, R692H, R701H, R639H, R673H.
Identifiers: ClinVar variation 2167664 (VCV002167664.5), dbSNP rs143840290, ClinGen allele CA6905671.

ClinVar aggregate classification (germline): Uncertain significance. Review status: criteria provided, multiple submitters, no conflicts (2 of 4 stars). 2 submissions from 2 submitters: Uncertain significance (2). Last evaluated 2025-09-16.

Allele frequency attached by ClinVar (database versions not stated): ESP Exome Variant Server 0.00008; gnomAD exomes 0.00008; ExAC 0.00011; TOPMed 0.00017; gnomAD 0.00019; 1000 Genomes Project 30x 0.00109; 1000 Genomes Project 0.00120.
gnomAD v4.1: 146 of 1,613,002 alleles (0.0091%); highest among the groups gnomAD compares: Admixed American, 0.042%; 1 homozygote.

Submissions (2):

Labcorp Genetics (formerly Invitae), Labcorp
Classification: Uncertain significance. Last evaluated: 2025-09-16. Review status: criteria provided, single submitter. Criteria: Invitae Variant Classification Sherloc (09022015). Collection method: clinical testing. Allele origin: germline.
Comment: This sequence change replaces arginine, which is basic and polar, with histidine, which is basic and polar, at codon 701 of the IFT88 protein (p.Arg701His). This variant is present in population databases (rs143840290, gnomAD 0.02%). This variant has not been reported in the literature in individuals affected with IFT88-related conditions. ClinVar contains an entry for this variant (Variation ID: 2167664). An algorithm developed to predict the effect of missense changes on protein structure and function (PolyPhen-2) suggests that this variant is likely to be disruptive. In summary, the available evidence is currently insufficient to determine the role of this variant in disease. Therefore, it has been classified as a Variant of Uncertain Significance.

Ambry Genetics
Classification: Uncertain significance. Last evaluated: 2025-08-11. Review status: criteria provided, single submitter. Criteria: Ambry Variant Classification Scheme 2023. Collection method: clinical testing. Allele origin: germline.